The following is an entry in ClinVar:

ClinVar aggregate classification (germline): Likely benign. Review status: criteria provided, multiple submitters, no conflicts (2 of 4 stars). 4 submissions from 4 submitters: Likely benign (2). 2 of the submissions do not count toward it. Last evaluated 2025-12-29.

Conditions:
Cardiovascular phenotype. Identifiers: MedGen CN230736.
CYP27A1-related disorder. Also called: CYP27A1-related condition.
Cholestanol storage disease (CTX). Also called: CTX: Cerebrotendinous xanthomatosis; CEREBRAL CHOLESTERINOSIS; Cerebrotendinous Xanthomatosis. Identifiers: Orphanet 909, MedGen C0238052, MONDO:0008948, OMIM 213700.

Allele frequency attached by ClinVar (database versions not stated): gnomAD exomes 0.00001; gnomAD 0.00002.
gnomAD v4.1: 16 of 1,539,914 alleles (0.001%); highest among the groups gnomAD compares: East Asian, 0.015%; 1 homozygote.

Submissions (4):

Labcorp Genetics (formerly Invitae), Labcorp
Classification: Likely benign for Cholestanol storage disease. Last evaluated: 2025-12-29. Review status: criteria provided, single submitter. Criteria: Invitae Variant Classification Sherloc (09022015). Collection method: clinical testing. Allele origin: germline.

Ambry Genetics
Classification: Likely benign for Cardiovascular phenotype. Last evaluated: 2022-03-03. Review status: criteria provided, single submitter. Criteria: Ambry Variant Classification Scheme 2023. Collection method: clinical testing. Allele origin: germline.

Natera, Inc.
Classification: Likely benign for Cerebrotendinous xanthomatosis. Last evaluated: 2021-06-24. Review status: no assertion criteria provided. Collection method: clinical testing. Allele origin: germline. Not counted in ClinVar's aggregate classification.

PreventionGenetics, part of Exact Sciences
Classification: Likely benign for CYP27A1-related condition. Last evaluated: 2020-12-15. Review status: no assertion criteria provided. Collection method: clinical testing. Allele origin: germline. Not counted in ClinVar's aggregate classification.
Comment: This variant is classified as likely benign based on ACMG/AMP sequence variant interpretation guidelines (Richards et al. 2015 PMID: 25741868, with internal and published modifications).

NM_000784.4(CYP27A1):c.36G>T (p.Ala12=)

Gene: CYP27A1 (cytochrome P450 family 27 subfamily A member 1; plus strand). Cytogenetic location: 2q35.
Variant type: single nucleotide variant.
Coding change: c.36G>T on transcript NM_000784.4 (MANE Select); coding-DNA position 36, G replaced by T.
Protein change: p.Ala12=; no amino-acid change (alanine 12 retained).
Molecular consequence: synonymous variant.
Genome position (GRCh38, 1-based): chr2:218,782,218, G>T. VCF-style: chr2-218782218-G-T. GRCh37 (hg19) VCF-style: chr2-219646941-G-T.
Other names: c.36G>T (NM_000784.3).
Identifiers: ClinVar variation 1097485 (VCV001097485.17), dbSNP rs764764261, ClinGen allele CA2112502.
Genomic context (GRCh38, chr2:218,782,218, plus strand): 5'-AGGTGCAGGCGCGCGAGCACAACCCATGGCTGCGCTGGGCTGCGCGAGGCTGAGGTGGGC[G>T]CTGCGAGGGGCCGGCCGTGGCCTCTGCCCCCACGGGGCCAGAGCCAAGGCCGCGATCCCT-3'
Protein context (NP_000775.1, residues 2-22): AALGCARLRW[Ala12=]LRGAGRGLCP